The following is an entry in ClinVar:

NM_015512.5(DNAH1):c.10325C>T (p.Thr3442Met)

Gene: DNAH1 (dynein axonemal heavy chain 1; plus strand). Cytogenetic location: 3p21.1.
Variant type: single nucleotide variant.
Coding change: c.10325C>T on transcript NM_015512.5 (MANE Select); coding-DNA position 10325, C replaced by T.
Protein change: p.Thr3442Met; replaces threonine 3442 with methionine.
Molecular consequence: missense variant.
Genome position (GRCh38, 1-based): chr3:52,392,876, C>T. VCF-style: chr3-52392876-C-T. GRCh37 (hg19) VCF-style: chr3-52426892-C-T.
Other names: short protein forms T3442M.
Identifiers: ClinVar variation 1940892 (VCV001940892.5), dbSNP rs776461972, ClinGen allele CA2435802.

ClinVar aggregate classification (germline): Uncertain significance (1 of 4 stars; one submission).

Conditions:
Ciliary dyskinesia, primary, 37 (CILD37). Also called: CILIARY DYSKINESIA, PRIMARY, 37, WITH OR WITHOUT SITUS INVERSUS. Identifiers: MedGen C4539798, MONDO:0033204, OMIM 617577.
Spermatogenic failure 18. Identifiers: MedGen C4539783, MONDO:0054615, OMIM 617576.

Allele frequency attached by ClinVar (database versions not stated): ExAC 0.00001; gnomAD 0.00001; gnomAD exomes 0.00001.
gnomAD v4.1: 15 of 1,610,866 alleles (0.00093%); highest among the groups gnomAD compares: Admixed American, 0.0034%; no homozygotes.

Submission:

Labcorp Genetics (formerly Invitae), Labcorp
Classification: Uncertain significance for Ciliary dyskinesia, primary, 37; Spermatogenic failure 18. Last evaluated: 2025-03-10. Review status: criteria provided, single submitter. Criteria: Invitae Variant Classification Sherloc (09022015). Collection method: clinical testing. Allele origin: germline.
Comment: This sequence change replaces threonine, which is neutral and polar, with methionine, which is neutral and non-polar, at codon 3442 of the DNAH1 protein (p.Thr3442Met). This variant is present in population databases (rs776461972, gnomAD 0.003%). This variant has not been reported in the literature in individuals affected with DNAH1-related conditions. ClinVar contains an entry for this variant (Variation ID: 1940892). Invitae Evidence Modeling of protein sequence and biophysical properties (such as structural, functional, and spatial information, amino acid conservation, physicochemical variation, residue mobility, and thermodynamic stability) has been performed for this missense variant. However, the output from this modeling did not meet the statistical confidence thresholds required to predict the impact of this variant on DNAH1 protein function. In summary, the available evidence is currently insufficient to determine the role of this variant in disease. Therefore, it has been classified as a Variant of Uncertain Significance.